The following is an entry in ClinVar:

NM_001378454.1(ALMS1):c.8935C>T (p.Gln2979Ter)

Gene: ALMS1 (ALMS1 centrosome and basal body associated protein; plus strand). Cytogenetic location: 2p13.1.
Variant type: single nucleotide variant.
Coding change: c.8935C>T on transcript NM_001378454.1 (MANE Select); coding-DNA position 8935, C replaced by T.
Protein change: p.Gln2979Ter; replaces glutamine 2979 with a stop codon.
Molecular consequence: nonsense.
Genome position (GRCh38, 1-based): chr2:73,490,894, C>T. VCF-style: chr2-73490894-C-T. GRCh37 (hg19) VCF-style: chr2-73718021-C-T.
Other names: c.8938C>T, p.Gln2980Ter (NM_015120.4); short protein forms Q2979*, Q2980*.
Identifiers: ClinVar variation 2203102 (VCV002203102.5), dbSNP rs2466218463, ClinGen allele CA347271699.

ClinVar aggregate classification (germline): Pathogenic. Review status: criteria provided, multiple submitters, no conflicts (2 of 4 stars). 2 submissions from 2 submitters: Pathogenic (2). Last evaluated 2025-08-24.

Conditions:
Cardiovascular phenotype. Identifiers: MedGen CN230736.
Alstrom syndrome (ALMS). Identifiers: Orphanet 64, MedGen C0268425, MONDO:0008763, OMIM 203800.

Submissions (2):

Labcorp Genetics (formerly Invitae), Labcorp
Classification: Pathogenic for Alstrom syndrome. Last evaluated: 2025-08-24. Review status: criteria provided, single submitter. Criteria: Invitae Variant Classification Sherloc (09022015). Collection method: clinical testing. Allele origin: germline.
Comment: This sequence change creates a premature translational stop signal (p.Gln2980*) in the ALMS1 gene. It is expected to result in an absent or disrupted protein product. Loss-of-function variants in ALMS1 are known to be pathogenic (PMID: 17594715). This variant is not present in population databases (gnomAD no frequency). This premature translational stop signal has been observed in individual(s) with Alström syndrome (PMID: 17594715). ClinVar contains an entry for this variant (Variation ID: 2203102). For these reasons, this variant has been classified as Pathogenic.

Ambry Genetics
Classification: Pathogenic for Cardiovascular phenotype. Last evaluated: 2023-11-01. Review status: criteria provided, single submitter. Criteria: Ambry Variant Classification Scheme 2023. Collection method: clinical testing. Allele origin: germline.
Comment: The p.Q2980* pathogenic mutation (also known as c.8938C>T), located in coding exon 10 of the ALMS1 gene, results from a C to T substitution at nucleotide position 8938. This changes the amino acid from a glutamine to a stop codon within coding exon 10. This alteration has been reported in subjects with Alstrom syndrome in a homozygous state and a compound heterozygous state (Marshall JD et al. Hum Mutat, 2007 Nov;28:1114-23; Vingolo EM et al. J Pediatr Ophthalmol Strabismus, 2010 May;47 Online:e1-3; Zulato E et al. PLoS One, 2011 Apr;6:e19081). This variant is considered to be rare based on population cohorts in the Genome Aggregation Database (gnomAD). In addition to the clinical data presented in the literature, this alteration is expected to result in loss of function by premature protein truncation or nonsense-mediated mRNA decay. As such, this alteration is interpreted as a disease-causing mutation.

Literature cited by the submitters: PubMed 17594715 (cited by Labcorp Genetics (formerly Invitae), Labcorp and Ambry Genetics); PubMed 21158358 (cited by Ambry Genetics); PubMed 21541333 (cited by Ambry Genetics).